The following is an entry in ClinVar:

NM_213655.5(WNK1):c.2468A>G (p.His823Arg)

Gene: WNK1 (WNK lysine deficient protein kinase 1; plus strand). Cytogenetic location: 12p13.33.
Variant type: single nucleotide variant.
Coding change: c.2468A>G on transcript NM_213655.5 (MANE Plus Clinical); coding-DNA position 2468, A replaced by G.
Protein change: p.His823Arg; replaces histidine 823 with arginine.
Molecular consequence: missense variant. On other transcripts: intron variant (2).
Genome position (GRCh38, 1-based): chr12:867,939, A>G. VCF-style: chr12-867939-A-G. GRCh37 (hg19) VCF-style: chr12-977105-A-G.
Other names: c.2213A>G, p.His738Arg (NM_001184985.2); c.2140-3326A>G (NM_018979.4, NM_014823.3); short protein forms H738R, H823R.
Identifiers: ClinVar variation 1021761 (VCV001021761.8), dbSNP rs894246062, ClinGen allele CA383338841.

ClinVar aggregate classification (germline): Uncertain significance (1 of 4 stars; one submission).

Conditions:
Pseudohypoaldosteronism type 2C (PHA2C). Also called: Pseudohypoaldosteronism Type IIC. Identifiers: Orphanet 757, Orphanet 88940, MedGen C1840391, MONDO:0013778, OMIM 614492.
Neuropathy, hereditary sensory and autonomic, type 2A (HSAN2A). Also called: ACROOSTEOLYSIS, GIACCAI TYPE; ACROOSTEOLYSIS, NEUROGENIC; MORVAN DISEASE; NEUROPATHY, CONGENITAL SENSORY; NEUROPATHY, HEREDITARY SENSORY RADICULAR, AUTOSOMAL RECESSIVE; NEUROPATHY, HEREDITARY SENSORY, TYPE IIA. Identifiers: Orphanet 970, MedGen C2752089, MONDO:0024309, OMIM 201300.

Allele frequency attached by ClinVar (database versions not stated): TOPMed below 0.00001; gnomAD 0.00001.
gnomAD v4.1: 2 of 1,613,870 alleles (0.00012%); highest among the groups gnomAD compares: African/African-American, 0.0027%; no homozygotes.

Submission:

Labcorp Genetics (formerly Invitae), Labcorp
Classification: Uncertain significance for Neuropathy, hereditary sensory and autonomic, type 2A; Pseudohypoaldosteronism type 2C. Last evaluated: 2024-03-22. Review status: criteria provided, single submitter. Criteria: Invitae Variant Classification Sherloc (09022015). Collection method: clinical testing. Allele origin: germline.
Comment: This sequence change replaces histidine, which is basic and polar, with arginine, which is basic and polar, at codon 823 of the WNK1 protein (p.His823Arg). This variant is not present in population databases (gnomAD no frequency). This variant has not been reported in the literature in individuals affected with WNK1-related conditions. ClinVar contains an entry for this variant (Variation ID: 1021761). Advanced modeling of protein sequence and biophysical properties (such as structural, functional, and spatial information, amino acid conservation, physicochemical variation, residue mobility, and thermodynamic stability) performed at Invitae indicates that this missense variant is not expected to disrupt WNK1 protein function with a negative predictive value of 95%. In summary, the available evidence is currently insufficient to determine the role of this variant in disease. Therefore, it has been classified as a Variant of Uncertain Significance.